The following is an entry in ClinVar:

NM_021098.3(CACNA1H):c.2686C>T (p.Arg896Cys)

Gene: CACNA1H (calcium voltage-gated channel subunit alpha1 H; plus strand). Cytogenetic location: 16p13.3.
Variant type: single nucleotide variant.
Coding change: c.2686C>T on transcript NM_021098.3 (MANE Select); coding-DNA position 2686, C replaced by T.
Protein change: p.Arg896Cys; replaces arginine 896 with cysteine.
Molecular consequence: missense variant.
Genome position (GRCh38, 1-based): chr16:1,206,186, C>T. VCF-style: chr16-1206186-C-T. GRCh37 (hg19) VCF-style: chr16-1256186-C-T.
Other names: c.2686C>T, p.Arg896Cys (NM_001005407.2); c.2686C>T (NM_021098.2); short protein forms R896C.
Identifiers: ClinVar variation 1445957 (VCV001445957.7), dbSNP rs1047092055, ClinGen allele CA276659475.

ClinVar aggregate classification (germline): Uncertain significance. Review status: criteria provided, multiple submitters, no conflicts (2 of 4 stars). 2 submissions from 2 submitters: Uncertain significance (2). Last evaluated 2024-06-25.

Conditions:
Idiopathic generalized epilepsy. Also called: EIG; Generalised epilepsy. Identifiers: MedGen C0270850, MONDO:0005579, OMIM 600669.
Hyperaldosteronism, familial, type IV (HALD4). Also called: FH IV; ALDOSTERONISM, PRIMARY, AND HYPERTENSION. Identifiers: Orphanet 642671, MedGen C4310756, MONDO:0014875, OMIM 617027.
Inborn genetic diseases. Identifiers: MedGen C0950123, MeSH D030342.

Allele frequency attached by ClinVar (database versions not stated): gnomAD 0.00001.
gnomAD v4.1: 11 of 1,590,208 alleles (0.00069%); highest among the groups gnomAD compares: African/African-American, 0.004%; no homozygotes.

Submissions (2):

Ambry Genetics
Classification: Uncertain significance for Inborn genetic diseases. Last evaluated: 2024-06-25. Review status: criteria provided, single submitter. Criteria: Ambry Variant Classification Scheme 2023. Collection method: clinical testing. Allele origin: germline.

Labcorp Genetics (formerly Invitae), Labcorp
Classification: Uncertain significance for Idiopathic generalized epilepsy; Hyperaldosteronism, familial, type IV. Last evaluated: 2022-08-12. Review status: criteria provided, single submitter. Criteria: Invitae Variant Classification Sherloc (09022015). Collection method: clinical testing. Allele origin: germline.
Comment: ClinVar contains an entry for this variant (Variation ID: 1445957). This sequence change replaces arginine, which is basic and polar, with cysteine, which is neutral and slightly polar, at codon 896 of the CACNA1H protein (p.Arg896Cys). This variant is not present in population databases (gnomAD no frequency). This variant has not been reported in the literature in individuals affected with CACNA1H-related conditions. Algorithms developed to predict the effect of missense changes on protein structure and function (SIFT, PolyPhen-2, Align-GVGD) all suggest that this variant is likely to be disruptive. Algorithms developed to predict the effect of sequence changes on RNA splicing suggest that this variant may create or strengthen a splice site. In summary, the available evidence is currently insufficient to determine the role of this variant in disease. Therefore, it has been classified as a Variant of Uncertain Significance.